The following is an entry in ClinVar:

ClinVar aggregate classification (germline): Likely pathogenic (1 of 4 stars; one submission).

Conditions:
Childhood hypophosphatasia. Identifiers: Orphanet 247667, Orphanet 436, MedGen C0220743, MONDO:1010168, OMIM 241510, MONDO:0009428.
Infantile hypophosphatasia. Identifiers: Orphanet 247651, Orphanet 436, MedGen C0268412, MONDO:1010169, OMIM 241500, MONDO:0009427.
Adult hypophosphatasia. Identifiers: Orphanet 247676, Orphanet 436, MedGen C0268413, MONDO:1010154, OMIM 146300, MONDO:0007798.

Submission:

Juno Genomics, Hangzhou Juno Genomics, Inc
Classification: Likely pathogenic for Adult hypophosphatasia; Childhood hypophosphatasia; Infantile hypophosphatasia. Review status: criteria provided, single submitter. Criteria: ACMG Guidelines, 2015. Collection method: clinical testing. Allele origin: germline.
Comment: Absent from controls (or at extremely low frequency if recessive) in Genome Aggregation Database.;Multiple lines of computational evidence support a deleterious effect on the gene or gene product.;For recessive disorders, detected in trans with a pathogenic variant.;Patient's phenotype or family history is highly specific for a disease with a single genetic etiology.

NM_000478.6(ALPL):c.151G>A (p.Ala51Thr)

Gene: ALPL (alkaline phosphatase, biomineralization associated; plus strand). Cytogenetic location: 1p36.12.
Variant type: single nucleotide variant.
Coding change: c.151G>A on transcript NM_000478.6 (MANE Select); coding-DNA position 151, G replaced by A.
Protein change: p.Ala51Thr; replaces alanine 51 with threonine.
Molecular consequence: missense variant. On other transcripts: 5 prime UTR variant (1), nonsense (1).
Genome position (GRCh38, 1-based): chr1:21,560,715, G>A. VCF-style: chr1-21560715-G-A. GRCh37 (hg19) VCF-style: chr1-21887208-G-A.
Other names: c.-15G>A (NM_001127501.4); c.36G>A, p.Trp12Ter (NM_001177520.3); c.151G>A, p.Ala51Thr (NM_001369803.2, NM_001369804.2, NM_001369805.2); short protein forms A51T, W12*.
Identifiers: ClinVar variation 5005750 (VCV005005750.2).
Genomic context (GRCh38, chr1:21,560,715, plus strand): 5'-GACCAAGCGCAAGAGACACTGAAATATGCCCTGGAGCTTCAGAAGCTCAACACCAACGTG[G>A]CTAAGAATGTCATCATGTTCCTGGGAGATGGTGAGGCCCAGGGGCCTGTGGGAGGGGTGG-3'
Protein context (NP_000469.3, residues 41-61): LELQKLNTNV[Ala51Thr]KNVIMFLGDG